The following is an entry in ClinVar:

NM_000271.5(NPC1):c.350dup (p.Ser118fs)

Gene: NPC1 (NPC intracellular cholesterol transporter 1; minus strand). Cytogenetic location: 18q11.2.
Variant type: Duplication.
Coding change: c.350dup on transcript NM_000271.5 (MANE Select); coding-DNA position 350, one base duplicated (A; older notation c.350dupA).
Protein change: p.Ser118fs; shifts the reading frame from serine 118.
Molecular consequence: frameshift variant.
Genome position (GRCh38, 1-based): chr18:23,568,936, T duplicated on the plus strand (A on the coding strand, the reverse complement: NPC1 is on the minus strand). VCF-style (leftmost placement, unchanged base first): chr18-23568935-C-CT. GRCh37 (hg19) VCF-style: chr18-21148899-C-CT.
Other names: short protein forms S118fs.
Identifiers: ClinVar variation 1076100 (VCV001076100.7), dbSNP rs2145527060, ClinGen allele CA2499225073.
Genomic context (GRCh38, chr18:23,568,935, plus strand): 5'-CGTCTGGTTTGTAACAGGATCAACATAATCTTCAGTAGCTGTAACATTCAAAAACTGACT[C>CT]TGTCGAGGGCTACATGTCAGCTCACAAAACAGGTTCAGTAGGTTATAAAAACAGGATGGA-3'

ClinVar aggregate classification (germline): Pathogenic (1 of 4 stars; one submission).

Conditions:
Niemann-Pick disease, type C1. Also called: NEUROVISCERAL STORAGE DISEASE WITH VERTICAL SUPRANUCLEAR OPHTHALMOPLEGIA; NIEMANN-PICK DISEASE WITH CHOLESTEROL ESTERIFICATION BLOCK; NIEMANN-PICK DISEASE WITHOUT SPHINGOMYELINASE DEFICIENCY; NIEMANN-PICK DISEASE, CHRONIC NEURONOPATHIC FORM; NIEMANN-PICK DISEASE, VARIANT TYPE C1. Identifiers: Orphanet 646, MedGen C3179455, MONDO:0009757, OMIM 257220.

Submission:

Labcorp Genetics (formerly Invitae), Labcorp
Classification: Pathogenic for Niemann-Pick disease, type C1. Last evaluated: 2021-11-11. Review status: criteria provided, single submitter. Criteria: Invitae Variant Classification Sherloc (09022015). Collection method: clinical testing. Allele origin: germline.
Comment: This variant is not present in population databases (gnomAD no frequency). For these reasons, this variant has been classified as Pathogenic. ClinVar contains an entry for this variant (Variation ID: 1076100). This variant has not been reported in the literature in individuals affected with NPC1-related conditions. This sequence change creates a premature translational stop signal (p.Ser118Glufs*10) in the NPC1 gene. It is expected to result in an absent or disrupted protein product. Loss-of-function variants in NPC1 are known to be pathogenic (PMID: 9211850).

Literature cited by the submitters: PubMed 9211850.